The following is an entry in ClinVar:

NM_002458.3(MUC5B):c.10352C>T (p.Thr3451Met)

Genes: MUC5B (mucin 5B, oligomeric mucus/gel-forming; plus strand), MUC5B-AS1 (MUC5B antisense RNA 1; minus strand). Cytogenetic location: 11p15.5.
Variant type: single nucleotide variant.
Coding change: c.10352C>T on transcript NM_002458.3 (MANE Select); coding-DNA position 10352, C replaced by T.
Protein change: p.Thr3451Met; replaces threonine 3451 with methionine.
Molecular consequence: missense variant.
Genome position (GRCh38, 1-based): chr11:1,247,232, C>T. VCF-style: chr11-1247232-C-T. GRCh37 (hg19) VCF-style: chr11-1268462-C-T.
Other names: short protein forms T3451M.
Identifiers: ClinVar variation 2641267 (VCV002641267.24), dbSNP rs201116040, ClinGen allele CA5807304.
Genomic context (GRCh38, chr11:1,247,232, plus strand): 5'-GCACAGTGACTCCCTCCTCTGCCCTAGGGACCACCCACACACCCCCAGTGCCGAACACCA[C>T]GGCCACCACACACGGGCGGTCCCTGCCCCCCAGCAGTCCCCACACGGTGCGCACAGCCTG-3'
Protein context (NP_002449.2, residues 3441-3461): TTHTPPVPNT[Thr3451Met]ATTHGRSLPP

ClinVar aggregate classification (germline): Benign (1 of 4 stars; one submission).

Allele frequency attached by ClinVar (database versions not stated): ESP Exome Variant Server 0.00118; ExAC 0.00137; 1000 Genomes Project 0.00339; gnomAD 0.00434; 1000 Genomes Project 30x 0.00718.
gnomAD v4.1: 15,873 of 1,593,246 alleles (1%); highest among the groups gnomAD compares: African/African-American, 1.4%; 450 homozygotes.

Submission:

CeGaT Center for Human Genetics Tuebingen
Classification: Benign. Last evaluated: 2026-05-01. Review status: criteria provided, single submitter. Criteria: CeGaT Center For Human Genetics Tuebingen Variant Classification Criteria Version 2. Collection method: clinical testing. Allele origin: germline. Affected: yes. Observed: 3 variant alleles.
Comment: MUC5B: BP4, BS1, BS2